The following is an entry in ClinVar:

ClinVar aggregate classification (germline): Uncertain significance (1 of 4 stars; one submission).

Submission:

GeneDx
Classification: Uncertain significance. Last evaluated: 2023-10-05. Review status: criteria provided, single submitter. Criteria: GeneDx Variant Classification Process June 2021. Collection method: clinical testing. Allele origin: germline. Affected: yes.
Comment: Not observed at significant frequency in large population cohorts (gnomAD); In silico analysis supports that this missense variant does not alter protein structure/function; Has not been previously published as pathogenic or benign to our knowledge

NM_001664.4(RHOA):c.503G>A (p.Arg168Lys)

Gene: RHOA (ras homolog family member A; minus strand). Cytogenetic location: 3p21.31.
Variant type: single nucleotide variant.
Coding change: c.503G>A on transcript NM_001664.4 (MANE Select); coding-DNA position 503, G replaced by A.
Protein change: p.Arg168Lys; replaces arginine 168 with lysine.
Molecular consequence: missense variant. On other transcripts: 3 prime UTR variant (2).
Genome position (GRCh38, 1-based): chr3:49,360,288, C>T on the plus strand (G>A on the coding strand, the complement: RHOA is on the minus strand). VCF-style: chr3-49360288-C-T. GRCh37 (hg19) VCF-style: chr3-49397721-C-T.
Other names: c.503G>A, p.Arg168Lys (NM_001313941.2); c.*78G>A (NM_001313943.2); c.443G>A, p.Arg148Lys (NM_001313944.2); c.260G>A, p.Arg87Lys (NM_001313945.2); c.251G>A, p.Arg84Lys (NM_001313946.2); c.*109G>A (NM_001313947.2); short protein forms R148K, R168K, R84K, R87K.
Identifiers: ClinVar variation 3252809 (VCV003252809.1), dbSNP rs2471002049.